The following is an entry in ClinVar:

ClinVar aggregate classification (germline): Pathogenic (1 of 4 stars; one submission).

Conditions:
Joubert syndrome. Also called: CEREBELLOPARENCHYMAL DISORDER IV; JOUBERT-BOLTSHAUSER SYNDROME; Familial aplasia of the vermis. Identifiers: Orphanet 475, MedGen C5979921, MONDO:0018772.
Meckel-Gruber syndrome. Also called: DYSENCEPHALIA SPLANCHNOCYSTICA; GRUBER SYNDROME; Dysencephalia splachnocystica. Identifiers: Orphanet 564, MedGen C0265215, MONDO:0018921.

Submission:

Labcorp Genetics (formerly Invitae), Labcorp
Classification: Pathogenic for Joubert syndrome; Meckel-Gruber syndrome. Last evaluated: 2022-06-14. Review status: criteria provided, single submitter. Criteria: Invitae Variant Classification Sherloc (09022015). Collection method: clinical testing. Allele origin: germline.
Comment: For these reasons, this variant has been classified as Pathogenic. This variant disrupts a region of the TMEM67 protein in which other variant(s) (p.Ile833Thr) have been determined to be pathogenic (PMID: 19058225, 21866095, 28497568). This suggests that this is a clinically significant region of the protein, and that variants that disrupt it are likely to be disease-causing. This variant has not been reported in the literature in individuals affected with TMEM67-related conditions. This variant is a gross deletion of the genomic region encompassing exon(s) 24-25 of the TMEM67 gene. This variant would be expected to be in-frame, preserving the integrity of the reading frame.

Literature cited by the submitters: PubMed 19058225; PubMed 21866095; PubMed 28497568.

NC_000008.10:g.(?_94821048)_(94821409_?)del

Gene: TMEM67 (transmembrane protein 67; plus strand). Cytogenetic location: 8q22.1.
Variant type: Deletion.
Identifiers: ClinVar variation 2427440 (VCV002427440.6).